The following is an entry in ClinVar:

NM_144670.6(A2ML1):c.3475_3476del (p.Gln1159fs)

Gene: A2ML1 (alpha-2-macroglobulin like 1; plus strand). Cytogenetic location: 12p13.31.
Variant type: Deletion.
Coding change: c.3475_3476del on transcript NM_144670.6 (MANE Select); coding-DNA positions 3475 to 3476, 2 bases deleted (CA; older notation c.3475_3476delCA).
Protein change: p.Gln1159fs; shifts the reading frame from glutamine 1159.
Molecular consequence: frameshift variant.
Genome position (GRCh38, 1-based): chr12:8,861,270-8,861,271, CA deleted; deleting any 2 consecutive bases within chr12:8,861,269-8,861,271 gives the same sequence; the c. name uses the placement nearest the transcript's 3' end. VCF-style (leftmost placement, unchanged base first): chr12-8861268-AAC-A. GRCh37 (hg19) VCF-style: chr12-9013864-AAC-A.
Other names: c.2002_2003del, p.Gln668fs (NM_001282424.3); short protein forms Q668fs, Q1159fs.
Identifiers: ClinVar variation 1506581 (VCV001506581.6), dbSNP rs2136931820, ClinGen allele CA2573148447.

ClinVar aggregate classification (germline): Uncertain significance (1 of 4 stars; one submission).

Submission:

Labcorp Genetics (formerly Invitae), Labcorp
Classification: Uncertain significance. Last evaluated: 2021-02-01. Review status: criteria provided, single submitter. Criteria: Invitae Variant Classification Sherloc (09022015). Collection method: clinical testing. Allele origin: germline.
Comment: In summary, the available evidence is currently insufficient to determine the role of this variant in disease. Therefore, it has been classified as a Variant of Uncertain Significance. This variant has not been reported in the literature in individuals with A2ML1-related conditions. This variant is not present in population databases (ExAC no frequency). This sequence change creates a premature translational stop signal (p.Gln1159Valfs*29) in the A2ML1 gene. It is expected to result in an absent or disrupted protein product. However, the current clinical and genetic evidence is not sufficient to establish whether loss-of-function variants in A2ML1 cause disease.